The following is an entry in ClinVar:

NM_000138.5(FBN1):c.1949G>A (p.Arg650His)

Gene: FBN1 (fibrillin 1; minus strand). Cytogenetic location: 15q21.1.
Variant type: single nucleotide variant.
Coding change: c.1949G>A on transcript NM_000138.5 (MANE Select); coding-DNA position 1949, G replaced by A.
Protein change: p.Arg650His; replaces arginine 650 with histidine.
Molecular consequence: missense variant.
Genome position (GRCh38, 1-based): chr15:48,505,036, C>T on the plus strand (G>A on the coding strand, the complement: FBN1 is on the minus strand). VCF-style: chr15-48505036-C-T. GRCh37 (hg19) VCF-style: chr15-48797233-C-T.
Other names: NC_000015.9:g.48797233C>T; short protein forms R650H.
Identifiers: ClinVar variation 923094 (VCV000923094.5), dbSNP rs1437690192, ClinGen allele CA392338976.
Genomic context (GRCh38, chr15:48,505,036, plus strand): 5'-TGACAGAGGCTGAACCTCTCTCATAAGGTTAGCCATGATGTTTTCTTACCAACACACACA[C>T]GGCCATCCAGACCCACAGCCAGTCCAGGGAAGCATTCACATCTGTAGGAGCCATCAGTGT-3'
Protein context (NP_000129.3, residues 640-660): FPGLAVGLDG[Arg650His]VCVDTHMRST

ClinVar aggregate classification (germline): Uncertain significance. Review status: criteria provided, multiple submitters, no conflicts (2 of 4 stars). 2 submissions from 2 submitters: Uncertain significance (2). Last evaluated 2025-03-20.

Conditions:
Familial thoracic aortic aneurysm and aortic dissection (TAAD). Also called: Thoracic aortic aneurysms and dissections. Identifiers: Orphanet 91387, MedGen C4707243, MONDO:0019625.
Marfan syndrome (MFS). Also called: Marfan syndrome, classic; Marfan syndrome type 1; Marfan's syndrome; FBN1-Related Marfan Syndrome; MARFAN SYNDROME, TYPE I. Identifiers: Orphanet 284963, Orphanet 558, MedGen C0024796, MONDO:0007947, OMIM 154700.

Allele frequency attached by ClinVar (database versions not stated): gnomAD exomes 0.00001 and below 0.00001; TOPMed 0.00002.
gnomAD v4.1: 4 of 1,614,142 alleles (0.00025%); highest among the groups gnomAD compares: South Asian, 0.0022%; no homozygotes.

Submissions (3):

Labcorp Genetics (formerly Invitae), Labcorp
Classification: Uncertain significance for Marfan syndrome; Familial thoracic aortic aneurysm and aortic dissection. Last evaluated: 2025-03-20. Review status: criteria provided, single submitter. Criteria: Invitae Variant Classification Sherloc (09022015). Collection method: clinical testing. Allele origin: germline.
Comment: This sequence change replaces arginine, which is basic and polar, with histidine, which is basic and polar, at codon 650 of the FBN1 protein (p.Arg650His). This variant is present in population databases (no rsID available, gnomAD 0.007%). This missense change has been observed in individual(s) with Clinical features of Marfan syndrome (PMID: 29848614, 33988295, 34916231). ClinVar contains an entry for this variant (Variation ID: 923094). Invitae Evidence Modeling of protein sequence and biophysical properties (such as structural, functional, and spatial information, amino acid conservation, physicochemical variation, residue mobility, and thermodynamic stability) indicates that this missense variant is expected to disrupt FBN1 protein function with a positive predictive value of 95%. In summary, the available evidence is currently insufficient to determine the role of this variant in disease. Therefore, it has been classified as a Variant of Uncertain Significance.

Color Diagnostics, LLC DBA Color Health
Classification: Uncertain significance for Familial thoracic aortic aneurysm and aortic dissection. Last evaluated: 2019-10-01. Review status: criteria provided, single submitter. Criteria: ACMG Guidelines, 2015. Collection method: clinical testing. Allele origin: germline.
Comment: This missense variant replaces arginine with histidine at codon 650 of the FBN1 protein. Computational prediction tool suggests that this variant may have deleterious impact on protein structure and function (internally defined REVEL score threshold ≥0.7, PMID: 27666373). Splice site prediction tools suggest that this variant may not impact RNA splicing. To our knowledge, functional studies have not been performed for this variant. This variant has been reported in an individual affected with Marfan syndrome (PMID: 29848614). This variant has been identified in 3/251440 chromosomes in the general population by the Genome Aggregation Database (gnomAD). The available evidence is insufficient to determine the role of this variant in disease conclusively. Therefore, this variant is classified as a Variant of Uncertain Significance.

Dr. Peter K. Rogan Lab, Western University
No classification provided (evidence only). Condition: Gastric cancer. Review status: no classification provided. Collection method: in vitro. Allele origin: not applicable. Functional consequence: retained intron. Not counted in ClinVar's aggregate classification.

Literature cited by the submitters: PubMed 29848614 (cited by Labcorp Genetics (formerly Invitae), Labcorp); PubMed 33988295 (cited by Labcorp Genetics (formerly Invitae), Labcorp); PubMed 34916231 (cited by Labcorp Genetics (formerly Invitae), Labcorp).